The following is an entry in ClinVar:

NM_000538.4(RFXAP):c.457G>T (p.Val153Leu)

Genes: RFXAP (regulatory factor X associated protein; plus strand), LOC130009575 (ATAC-STARR-seq lymphoblastoid active region 7590; plus strand). Cytogenetic location: 13q13.3.
Variant type: single nucleotide variant.
Coding change: c.457G>T on transcript NM_000538.4 (MANE Select); coding-DNA position 457, G replaced by T.
Protein change: p.Val153Leu; replaces valine 153 with leucine.
Molecular consequence: missense variant.
Genome position (GRCh38, 1-based): chr13:36,819,814, G>T. VCF-style: chr13-36819814-G-T. GRCh37 (hg19) VCF-style: chr13-37393951-G-T.
Other names: short protein forms V153L.
Identifiers: ClinVar variation 966442 (VCV000966442.8), dbSNP rs1323637306, ClinGen allele CA387855578.

ClinVar aggregate classification (germline): Uncertain significance (1 of 4 stars; one submission).

Conditions:
MHC class II deficiency. Also called: Bare lymphocyte syndrome 2; BLS, TYPE II. Identifiers: Orphanet 572, MedGen C5447452, MONDO:0008855.

Allele frequency attached by ClinVar (database versions not stated): TOPMed 0.00001.

Submission:

Labcorp Genetics (formerly Invitae), Labcorp
Classification: Uncertain significance for MHC class II deficiency. Last evaluated: 2019-11-14. Review status: criteria provided, single submitter. Criteria: Invitae Variant Classification Sherloc (09022015). Collection method: clinical testing. Allele origin: germline.
Comment: In summary, the available evidence is currently insufficient to determine the role of this variant in disease. Therefore, it has been classified as a Variant of Uncertain Significance. Algorithms developed to predict the effect of missense changes on protein structure and function (SIFT, PolyPhen-2, Align-GVGD) all suggest that this variant is likely to be disruptive, but these predictions have not been confirmed by published functional studies and their clinical significance is uncertain. This variant has not been reported in the literature in individuals with RFXAP-related conditions. This variant is not present in population databases (ExAC no frequency). This sequence change replaces valine with leucine at codon 153 of the RFXAP protein (p.Val153Leu). The valine residue is highly conserved and there is a small physicochemical difference between valine and leucine.